The following is an entry in ClinVar:

ClinVar aggregate classification (germline): Likely pathogenic (1 of 4 stars; one submission).

Conditions:
Primary ciliary dyskinesia 3. Identifiers: Orphanet 244, MedGen C1837618, MONDO:0012085, OMIM 608644.

Submission:

Myriad Genetics, Inc.
Classification: Likely pathogenic for Primary ciliary dyskinesia 3. Last evaluated: 2022-02-12. Review status: criteria provided, single submitter. Criteria: Myriad Women's Health Autosomal Recessive and X-Linked Classification Criteria (2021). Collection method: clinical testing. Allele origin: unknown.
Comment: NM_001369.2(DNAH5):c.3766_3767ins5(A1256Efs*7) is expected to be pathogenic in the context of DNAH5-related primary ciliary dyskinesia. This variant is predicted to lead to an abnormal or absent protein product due to the creation of a premature termination codon in DNAH5, a gene where loss-of-function variants are known to be pathogenic. Please note: this variant was assessed in the context of healthy population screening.

NM_001369.3(DNAH5):c.3766_3767insAAAGT (p.Ala1256fs)

Genes: DNAH5 (dynein axonemal heavy chain 5; minus strand), DNAH5-AS1 (DNAH5 antisense RNA 1; plus strand). Cytogenetic location: 5p15.2.
Variant type: Insertion.
Coding change: c.3766_3767insAAAGT on transcript NM_001369.3 (MANE Select); coding-DNA positions 3766 to 3767, AAAGT inserted.
Protein change: p.Ala1256fs; shifts the reading frame from alanine 1256.
Molecular consequence: frameshift variant.
Genome position: GRCh38 VCF-style: chr5-13870834-G-GACTTT. GRCh37 (hg19) VCF-style: chr5-13870943-G-GACTTT.
Other names: short protein forms A1256fs.
Identifiers: ClinVar variation 1724368 (VCV001724368.2), dbSNP rs2546995793, ClinGen allele CA2580072050.